The following is an entry in ClinVar:

NM_031483.7(ITCH):c.746C>T (p.Pro249Leu)

Gene: ITCH (itchy E3 ubiquitin protein ligase; plus strand). Cytogenetic location: 20q11.22.
Variant type: single nucleotide variant.
Coding change: c.746C>T on transcript NM_031483.7 (MANE Select); coding-DNA position 746, C replaced by T.
Protein change: p.Pro249Leu; replaces proline 249 with leucine.
Molecular consequence: missense variant.
Genome position (GRCh38, 1-based): chr20:34,440,221, C>T. VCF-style: chr20-34440221-C-T. GRCh37 (hg19) VCF-style: chr20-33028026-C-T.
Other names: c.869C>T, p.Pro290Leu (NM_001257137.3, NM_001324197.2); c.416C>T, p.Pro139Leu (NM_001257138.3); c.746C>T, p.Pro249Leu (NM_001324198.2); short protein forms P249L, P290L, P139L.
Identifiers: ClinVar variation 938389 (VCV000938389.6), dbSNP rs370394645, ClinGen allele CA9821429.

ClinVar aggregate classification (germline): Uncertain significance (1 of 4 stars; one submission).

Conditions:
Syndromic multisystem autoimmune disease due to ITCH deficiency. Also called: AUTOIMMUNE DISEASE, MULTISYSTEM, WITH FACIAL DYSMORPHISM. Identifiers: Orphanet 228426, MedGen C3150649, MONDO:0013245, OMIM 613385.

Allele frequency attached by ClinVar (database versions not stated): ExAC 0.00009; gnomAD exomes 0.00009; ESP Exome Variant Server 0.00015; TOPMed 0.00026; gnomAD 0.00029 and 0.00033.
gnomAD v4.1: 97 of 1,613,524 alleles (0.006%); highest among the groups gnomAD compares: African/African-American, 0.093%; 1 homozygote.

Submission:

Labcorp Genetics (formerly Invitae), Labcorp
Classification: Uncertain significance for Syndromic multisystem autoimmune disease due to ITCH deficiency. Last evaluated: 2026-01-12. Review status: criteria provided, single submitter. Criteria: Invitae Variant Classification Sherloc (09022015). Collection method: clinical testing. Allele origin: germline.
Comment: This sequence change replaces proline, which is neutral and non-polar, with leucine, which is neutral and non-polar, at codon 249 of the ITCH protein (p.Pro249Leu). This variant is present in population databases (rs370394645, gnomAD 0.1%). This variant has not been reported in the literature in individuals affected with ITCH-related conditions. ClinVar contains an entry for this variant (Variation ID: 938389). An algorithm developed to predict the effect of missense changes on protein structure and function (PolyPhen-2) suggests that this variant is likely to be tolerated. In summary, the available evidence is currently insufficient to determine the role of this variant in disease. Therefore, it has been classified as a Variant of Uncertain Significance.